The following is an entry in ClinVar:

ClinVar aggregate classification (germline): Likely pathogenic (1 of 4 stars; one submission).

Conditions:
Microcephaly, normal intelligence and immunodeficiency (NBS). Also called: Microcephaly with normal intelligence immunodeficiency and lymphoreticular malignancies; Nonsyndromal microcephaly autosomal recessive with normal intelligence; Seemanova syndrome 2; SEEMANOVA SYNDROME II; BERLIN BREAKAGE SYNDROME; Immunodeficiency, microcephaly with normal intelligence. Identifiers: Orphanet 647, MedGen C0398791, MONDO:0009623, OMIM 251260.

Submission:

Labcorp Genetics (formerly Invitae), Labcorp
Classification: Likely pathogenic for Microcephaly, normal intelligence and immunodeficiency. Last evaluated: 2021-10-19. Review status: criteria provided, single submitter. Criteria: Invitae Variant Classification Sherloc (09022015). Collection method: clinical testing. Allele origin: germline.
Comment: In summary, the currently available evidence indicates that the variant is pathogenic, but additional data are needed to prove that conclusively. Therefore, this variant has been classified as Likely Pathogenic. This variant disrupts the ATM interaction domain of the NBN protein, which is important for activating ATM in the double-strand break repair pathway (PMID: 15964794, 15048089). While functional studies have not been performed to directly test the effect of this variant on NBN protein function, this suggests that disruption of this region of the protein is causative of disease. This variant has not been reported in the literature in individuals with NBN-related conditions. This variant is not present in population databases (ExAC no frequency). This sequence change results in a premature translational stop signal in the NBN gene (p.Arg714Glnfs*27). While this is not anticipated to result in nonsense mediated decay, it is expected to disrupt the last 41 amino acids of the NBN protein.

Literature cited by the submitters: PubMed 15964794; PubMed 15048089.

NM_002485.5(NBN):c.2141_2142del (p.Arg714fs)

Gene: NBN (nibrin; minus strand). Cytogenetic location: 8q21.3.
Variant type: Deletion.
Coding change: c.2141_2142del on transcript NM_002485.5 (MANE Select); coding-DNA positions 2141 to 2142, 2 bases deleted (GA; older notation c.2141_2142delGA).
Protein change: p.Arg714fs; shifts the reading frame from arginine 714.
Molecular consequence: frameshift variant.
Genome position (GRCh38, 1-based): chr8:89,943,295-89,943,296, TC deleted on the plus strand (GA on the coding strand, the reverse complement: NBN is on the minus strand). VCF-style (leftmost placement, unchanged base first): chr8-89943294-TTC-T. GRCh37 (hg19) VCF-style: chr8-90955522-TTC-T.
Other names: c.1895_1896del, p.Arg632fs (NM_001024688.3); short protein forms R632fs, R714fs.
Identifiers: ClinVar variation 1066438 (VCV001066438.7), dbSNP rs2130755572, ClinGen allele CA2499219405.